The following is an entry in ClinVar:

ClinVar aggregate classification (germline): Uncertain significance (1 of 4 stars; one submission).

Conditions:
Bethlem myopathy 1A. Also called: MYOPATHY, BENIGN CONGENITAL, WITH CONTRACTURES; Bethlem Muscular Dystrophy; Bethlem myopathy 1. Identifiers: Orphanet 610, MedGen CN029274, MONDO:0024530, OMIM 158810.

Submission:

Labcorp Genetics (formerly Invitae), Labcorp
Classification: Uncertain significance for Bethlem myopathy 1A. Last evaluated: 2021-05-19. Review status: criteria provided, single submitter. Criteria: Invitae Variant Classification Sherloc (09022015). Collection method: clinical testing. Allele origin: germline.
Comment: In summary, the available evidence is currently insufficient to determine the role of this variant in disease. Therefore, it has been classified as a Variant of Uncertain Significance. Algorithms developed to predict the effect of sequence changes on RNA splicing suggest that this variant may create or strengthen a splice site, but this prediction has not been confirmed by published transcriptional studies. Advanced modeling of protein sequence and biophysical properties (such as structural, functional, and spatial information, amino acid conservation, physicochemical variation, residue mobility, and thermodynamic stability) performed at Invitae indicates that this missense variant is expected to disrupt COL6A3 protein function. This variant has not been reported in the literature in individuals with COL6A3-related conditions. This variant is not present in population databases (ExAC no frequency). This sequence change replaces serine with cysteine at codon 1037 of the COL6A3 protein (p.Ser1037Cys). The serine residue is highly conserved and there is a moderate physicochemical difference between serine and cysteine.

NM_004369.4(COL6A3):c.3110C>G (p.Ser1037Cys)

Gene: COL6A3 (collagen type VI alpha 3 chain; minus strand). Cytogenetic location: 2q37.3.
Variant type: single nucleotide variant.
Coding change: c.3110C>G on transcript NM_004369.4 (MANE Select); coding-DNA position 3110, C replaced by G.
Protein change: p.Ser1037Cys; replaces serine 1037 with cysteine.
Molecular consequence: missense variant.
Genome position (GRCh38, 1-based): chr2:237,374,981, G>C on the plus strand (C>G on the coding strand, the complement: COL6A3 is on the minus strand). VCF-style: chr2-237374981-G-C. GRCh37 (hg19) VCF-style: chr2-238283624-G-C.
Other names: c.1889C>G, p.Ser630Cys (NM_057164.5); c.2492C>G, p.Ser831Cys (NM_057165.5, NM_057167.4); c.1289C>G, p.Ser430Cys (NM_057166.5); short protein forms S630C, S1037C, S831C, S430C.
Identifiers: ClinVar variation 1428723 (VCV001428723.8), dbSNP rs2106361725, ClinGen allele CA351205835.